The following is an entry in ClinVar:

ClinVar aggregate classification (germline): Conflicting classifications of pathogenicity. Review status: criteria provided, conflicting classifications (1 of 4 stars). 2 submissions from 2 submitters: Uncertain significance (1); Likely benign (1). Last evaluated 2025-06-17.

Conditions:
Fanconi anemia (FA). Also called: Fanconi's anemia. Identifiers: Orphanet 84, MedGen C0015625, MeSH D005199, MONDO:0019391.

Allele frequency attached by ClinVar (database versions not stated): gnomAD 0.00001; gnomAD exomes 0.00001 and 0.00002; TOPMed 0.00001; ExAC 0.00002.

Submissions (2):

Labcorp Genetics (formerly Invitae), Labcorp
Classification: Likely benign for Fanconi anemia. Last evaluated: 2025-06-17. Review status: criteria provided, single submitter. Criteria: Invitae Variant Classification Sherloc (09022015). Collection method: clinical testing. Allele origin: germline.

Sema4
Classification: Uncertain significance for Fanconi anemia. Last evaluated: 2021-09-26. Review status: criteria provided, single submitter. Criteria: Sema4 Curation Guidelines. Collection method: curation. Allele origin: germline.
Comment: The FANCG c.1662G>A (p.L554=) variant has not been reported in the literature to our knowledge. It was observed in 5/34570 chromosomes of the Latino subpopulation in the large and broad cohorts of the Genome Aggregation Database (PMID: 32461654). The variant has not been reported in ClinVar. The evidence is insufficient to meet ACMG/AMP criteria for classifying the variant as benign or pathogenic. Thus, the clinical significance of this variant is currently uncertain.

NM_004629.2(FANCG):c.1662G>A (p.Leu554=)

Gene: FANCG (FA complementation group G; minus strand). Cytogenetic location: 9p13.3.
Variant type: single nucleotide variant.
Coding change: c.1662G>A on transcript NM_004629.2 (MANE Select); coding-DNA position 1662, G replaced by A.
Protein change: p.Leu554=; no amino-acid change (leucine 554 retained).
Molecular consequence: synonymous variant.
Genome position (GRCh38, 1-based): chr9:35,074,469, C>T on the plus strand (G>A on the coding strand, the complement: FANCG is on the minus strand). VCF-style: chr9-35074469-C-T. GRCh37 (hg19) VCF-style: chr9-35074466-C-T.
Identifiers: ClinVar variation 1154274 (VCV001154274.11), dbSNP rs750982155, ClinGen allele CA5039656.